The following is an entry in ClinVar:

NC_000010.10:g.(?_90974585)_(91007408_?)del

Gene: LIPA (lipase A, lysosomal acid type; minus strand). Cytogenetic location: 10q23.31.
Variant type: Deletion.
Identifiers: ClinVar variation 3244811 (VCV003244811.1).

ClinVar aggregate classification (germline): Pathogenic (1 of 4 stars; one submission).

Conditions:
Wolman disease (WOLD). Also called: LYSOSOMAL ACID LIPASE DEFICIENCY, ACUTE INFANTILE; LYSOSOMAL ACID LIPASE DEFICIENCY, COMPLETE; LIPA DEFICIENCY, COMPLETE; LAL DEFICIENCY, COMPLETE; CHOLESTEROL ESTER HYDROLASE DEFICIENCY, COMPLETE; Acid cholesteryl ester hydrolase deficiency, Wolman type. Identifiers: Orphanet 75233, MedGen C0043208, MONDO:0019148, OMIM 620151.

Submission:

Labcorp Genetics (formerly Invitae), Labcorp
Classification: Pathogenic for Wolman disease. Last evaluated: 2023-06-23. Review status: criteria provided, single submitter. Criteria: Invitae Variant Classification Sherloc (09022015). Collection method: clinical testing. Allele origin: unknown.
Comment: For these reasons, this variant has been classified as Pathogenic. A similar copy number variant has been observed in individual(s) with Wolman disease (PMID: 28468868). A gross deletion of the genomic region encompassing the full coding sequence of the LIPA gene has been identified. Loss-of-function variants in LIPA are known to be pathogenic (PMID: 23485521). The boundaries of this event are unknown as they extend beyond the assayed region for this gene and therefore may encompass additional genes.

Literature cited by the submitters: PubMed 28468868; PubMed 23485521.